The following is an entry in ClinVar:

ClinVar aggregate classification (germline): Pathogenic. Review status: criteria provided, multiple submitters, no conflicts (2 of 4 stars). 6 submissions from 5 submitters: Pathogenic (6). Last evaluated 2025-12-19.

Conditions:
Leber congenital amaurosis 1 (LCA1). Also called: RETINAL BLINDNESS, CONGENITAL; AMAUROSIS CONGENITA OF LEBER I; Congenital absence of the rods and cones; Leber's congenital tapetoretinal degeneration; Leber's congenital tapetoretinal dysplasia. Identifiers: Orphanet 65, MedGen C2931258, MONDO:0008764, OMIM 204000.
Retinitis pigmentosa 12 (RP12). Also called: RP WITH OR WITHOUT PRESERVED PARAARTERIOLE RETINAL PIGMENT EPITHELIUM; RETINITIS PIGMENTOSA WITH OR WITHOUT PARAARTERIOLAR PRESERVATION OF RETINAL PIGMENT EPITHELIUM; RP WITH OR WITHOUT PPRPE. Identifiers: Orphanet 791, MedGen C1838647, MONDO:0010818, OMIM 600105.
Leber congenital amaurosis 8 (LCA8). Identifiers: Orphanet 65, MedGen C3151202, MONDO:0013453, OMIM 613835.

Allele frequency attached by ClinVar (database versions not stated): gnomAD exomes below 0.00001.
gnomAD v4.1: 1 of 1,614,040 alleles (0.000062%); highest among the groups gnomAD compares: Non-Finnish European, 0.000085%; no homozygotes.

Submissions (6):

3billion
Classification: Pathogenic for Retinitis pigmentosa 12. Last evaluated: 2025-12-19. Review status: criteria provided, single submitter. Criteria: ACMG Guidelines, 2015. Collection method: clinical testing. Allele origin: germline. Affected: yes.
Comment: The variant is observed at an extremely low frequency in the gnomAD v4.1.0 dataset (total allele frequency: <0.001%). Predicted Consequence/Location: Stop-gained (nonsense): predicted to result in a loss or disruption of normal protein function through nonsense-mediated decay (NMD) or protein truncation. Multiple pathogenic variants are reported downstream of the variant. The variant has been reported at least twice as pathogenic without evidence for the classification (ClinVar ID: VCV000801594 /PMID: 23847139). Therefore, this variant is classified as Pathogenic according to the recommendation of ACMG/AMP guideline.

GeneDx
Classification: Pathogenic. Last evaluated: 2025-07-30. Review status: criteria provided, single submitter. Criteria: GeneDx Variant Classification Process June 2021. Collection method: clinical testing. Allele origin: germline.
Comment: Nonsense variant predicted to result in protein truncation or nonsense mediated decay in a gene for which loss of function is a known mechanism of disease; Not observed at significant frequency in large population cohorts (gnomAD); This variant is associated with the following publications: (PMID: 38777102, 23847139, 32865313)

Labcorp Genetics (formerly Invitae), Labcorp
Classification: Pathogenic for Leber congenital amaurosis 8; Retinitis pigmentosa 12. Last evaluated: 2023-10-03. Review status: criteria provided, single submitter. Criteria: Invitae Variant Classification Sherloc (09022015). Collection method: clinical testing. Allele origin: germline.
Comment: This sequence change creates a premature translational stop signal (p.Trp328*) in the CRB1 gene. It is expected to result in an absent or disrupted protein product. Loss-of-function variants in CRB1 are known to be pathogenic (PMID: 10508521, 22065545, 23379534, 25412400, 26957898, 28041643, 29391521). This variant is not present in population databases (gnomAD no frequency). This premature translational stop signal has been observed in individual(s) with Leber congenital amaurosis (PMID: 23847139). ClinVar contains an entry for this variant (Variation ID: 801594). For these reasons, this variant has been classified as Pathogenic.

Genome-Nilou Lab
Classification: Pathogenic for Leber congenital amaurosis 8. Last evaluated: 2023-04-11. Review status: criteria provided, single submitter. Criteria: ACMG Guidelines, 2015. Collection method: clinical testing. Allele origin: germline. Affected: no.

Genome-Nilou Lab
Classification: Pathogenic for Retinitis pigmentosa 12. Last evaluated: 2023-04-11. Review status: criteria provided, single submitter. Criteria: ACMG Guidelines, 2015. Collection method: clinical testing. Allele origin: germline. Affected: no.

Mendelics
Classification: Pathogenic for Leber congenital amaurosis 1. Last evaluated: 2019-05-28. Review status: criteria provided, single submitter. Criteria: Mendelics Assertion Criteria 2017. Collection method: clinical testing. Allele origin: unknown.

Literature cited by the submitters: PubMed 23847139 (cited by 3billion and Labcorp Genetics (formerly Invitae), Labcorp); PubMed 10508521 (cited by Labcorp Genetics (formerly Invitae), Labcorp); PubMed 22065545 (cited by Labcorp Genetics (formerly Invitae), Labcorp); PubMed 23379534 (cited by Labcorp Genetics (formerly Invitae), Labcorp); PubMed 25412400 (cited by Labcorp Genetics (formerly Invitae), Labcorp); PubMed 26957898 (cited by Labcorp Genetics (formerly Invitae), Labcorp); PubMed 28041643 (cited by Labcorp Genetics (formerly Invitae), Labcorp); PubMed 29391521 (cited by Labcorp Genetics (formerly Invitae), Labcorp).

NM_201253.3(CRB1):c.984G>A (p.Trp328Ter)

Gene: CRB1 (crumbs cell polarity complex component 1; plus strand). Cytogenetic location: 1q31.3.
Variant type: single nucleotide variant.
Coding change: c.984G>A on transcript NM_201253.3 (MANE Select); coding-DNA position 984, G replaced by A.
Protein change: p.Trp328Ter; replaces tryptophan 328 with a stop codon.
Molecular consequence: nonsense. On other transcripts: non-coding transcript variant (2), intron variant (1).
Genome position (GRCh38, 1-based): chr1:197,347,475, G>A. VCF-style: chr1-197347475-G-A. GRCh37 (hg19) VCF-style: chr1-197316605-G-A.
Other names: c.777G>A, p.Trp259Ter (NM_001257965.2); c.984G>A, p.Trp328Ter (NM_001257966.2); c.653-9356G>A (NM_001193640.2); c.984G>A (NM_201253.2); short protein forms W259*, W328*.
Identifiers: ClinVar variation 801594 (VCV000801594.11), dbSNP rs1571878277, ClinGen allele CA344084273.
Genomic context (GRCh38, chr1:197,347,475, plus strand): 5'-ACCTTGTCACAATAATGCTACATGTGAGGACAGTGTTGACAATTACACTTGTCACTGCTG[G>A]CCTGGTGAGTGACAAAATACCTTCCACCAATTATTTTTCATTTGTTTAGAATACACATAT-3'